The following is an entry in ClinVar:

ClinVar aggregate classification (germline): Uncertain significance (1 of 4 stars; one submission).

Submission:

Ambry Genetics
Classification: Uncertain significance. Last evaluated: 2025-02-22. Review status: criteria provided, single submitter. Criteria: Ambry Variant Classification Scheme 2023. Collection method: clinical testing. Allele origin: germline.
Comment: The p.E61A variant (also known as c.182A>C), located in coding exon 3 of the RINT1 gene, results from an A to C substitution at nucleotide position 182. The glutamic acid at codon 61 is replaced by alanine, an amino acid with dissimilar properties. This amino acid position is conserved. In addition, the in silico prediction for this alteration is inconclusive. Based on the available evidence, the clinical significance of this variant remains unclear.

NM_021930.6(RINT1):c.182A>C (p.Glu61Ala)

Gene: RINT1 (RAD50 interactor 1; plus strand). Cytogenetic location: 7q22.3.
Variant type: single nucleotide variant.
Coding change: c.182A>C on transcript NM_021930.6 (MANE Select); coding-DNA position 182, A replaced by C.
Protein change: p.Glu61Ala; replaces glutamic acid 61 with alanine.
Molecular consequence: missense variant. On other transcripts: 5 prime UTR variant (3), non-coding transcript variant (1), intron variant (1).
Genome position (GRCh38, 1-based): chr7:105,536,658, A>C. VCF-style: chr7-105536658-A-C. GRCh37 (hg19) VCF-style: chr7-105177105-A-C.
Other names: c.-838A>C (NM_001346600.2); c.-741A>C (NM_001346601.2); c.-361A>C (NM_001346603.2); c.39+46A>C (NM_001346599.2); short protein forms E61A.
Identifiers: ClinVar variation 3789237 (VCV003789237.1).